The following is an entry in ClinVar:

ClinVar aggregate classification (germline): Pathogenic. Review status: criteria provided, single submitter (1 of 4 stars). 3 submissions from 3 submitters: Pathogenic (1). 2 of the submissions do not count toward it.

Conditions:
Autosomal recessive spastic paraplegia type 78. Identifiers: Orphanet 513436, MedGen C5567893, MONDO:0014975, OMIM 617225.
Kufor-Rakeb syndrome (KRS). Also called: PARKINSON DISEASE 9, AUTOSOMAL RECESSIVE, JUVENILE-ONSET. Identifiers: Orphanet 306674, Orphanet 314632, MedGen C1847640, MONDO:0011706, OMIM 606693.

Allele frequency attached by ClinVar (database versions not stated): TOPMed below 0.00001; gnomAD exomes 0.00001.
gnomAD v4.1: 15 of 1,614,168 alleles (0.00093%); highest among the groups gnomAD compares: Admixed American, 0.005%; no homozygotes.

Submissions (3):

Kasturba Medical College, Manipal, Kasturba Medical College, Manipal, Manipal Academy of Higher Education, Manipal, India
Classification: Pathogenic for Autosomal recessive spastic paraplegia type 78. Review status: criteria provided, single submitter. Criteria: ACMG Guidelines, 2015. Collection method: clinical testing. Allele origin: biparental. Inheritance: Autosomal recessive inheritance. Affected: yes. Observed: 1 homozygote.
Comment: This variant is likely to result in premature truncation of the transcript which can lead to either nonsense-mediated mRNA decay or the formation of a truncated ATP13A2 protein product. The variant c.1345C>T is reported in the ClinVar database as a pathogenic in an independent entry (ClinVar ID: 374890).

Solve-RD Consortium
Classification: Likely pathogenic for Kufor-Rakeb syndrome. Last evaluated: 2022-06-01. Review status: no assertion criteria provided. Collection method: provider interpretation. Allele origin: inherited. Affected: yes. Not counted in ClinVar's aggregate classification.
Comment: Variant confirmed as disease-causing by referring clinical team

Variant identified during reanalysis of unsolved cases by the Solve-RD project. The Solve-RD project has received funding from the European Union’s Horizon 2020 research and innovation programme under grant agreement No 779257.

OMIM
Classification: Pathogenic for SPASTIC PARAPLEGIA 78, AUTOSOMAL RECESSIVE. Last evaluated: 2017-02-01. Review status: no assertion criteria provided. Collection method: literature only. Allele origin: germline. Not counted in ClinVar's aggregate classification.

Literature cited by the submitters: PubMed 39825153 (cited by Solve-RD Consortium); PubMed 28137957 (cited by OMIM).

NM_022089.4(ATP13A2):c.1345C>T (p.Arg449Ter)

Gene: ATP13A2 (ATPase cation transporting 13A2; minus strand). Cytogenetic location: 1p36.13.
Variant type: single nucleotide variant.
Coding change: c.1345C>T on transcript NM_022089.4 (MANE Select); coding-DNA position 1345, C replaced by T.
Protein change: p.Arg449Ter; replaces arginine 449 with a stop codon.
Molecular consequence: nonsense.
Genome position (GRCh38, 1-based): chr1:16,996,262, G>A on the plus strand (C>T on the coding strand, the complement: ATP13A2 is on the minus strand). VCF-style: chr1-16996262-G-A. GRCh37 (hg19) VCF-style: chr1-17322757-G-A.
Other names: c.1330C>T, p.Arg444Ter (NM_001141973.3, NM_001141974.3); short protein forms R444*, R449*.
Identifiers: ClinVar variation 374890 (VCV000374890.4), dbSNP rs1057519293, ClinGen allele CA16043961.